The following is an entry in ClinVar:

NM_152743.4(BRAT1):c.565G>C (p.Gly189Arg)

Gene: BRAT1 (BRCA1 associated ATM activator 1; minus strand). Cytogenetic location: 7p22.3.
Variant type: single nucleotide variant.
Coding change: c.565G>C on transcript NM_152743.4 (MANE Select); coding-DNA position 565, G replaced by C.
Protein change: p.Gly189Arg; replaces glycine 189 with arginine.
Molecular consequence: missense variant. On other transcripts: non-coding transcript variant (1).
Genome position (GRCh38, 1-based): chr7:2,543,828, C>G on the plus strand (G>C on the coding strand, the complement: BRAT1 is on the minus strand). VCF-style: chr7-2543828-C-G. GRCh37 (hg19) VCF-style: chr7-2583462-C-G.
Other names: c.565G>C, p.Gly189Arg (NM_001350626.2); c.40G>C, p.Gly14Arg (NM_001350627.2); short protein forms G14R, G189R.
Identifiers: ClinVar variation 646836 (VCV000646836.8), dbSNP rs762783345, ClinGen allele CA366632236.
Genomic context (GRCh38, chr7:2,543,828, plus strand): 5'-CGGAGCACAAGGACTCTTCAACGTGATCCATGATCTTCTGGGCACACGCGGGCCAGTCAC[C>G]CCCCGGCAGGCAGGGCTGCCCCTCGGCTCCACCTCGCATGGACAAAGCCAGGACGTGCAC-3'
Protein context (NP_689956.2, residues 179-199): GAEGQPCLPG[Gly189Arg]DWPACAQKIM

ClinVar aggregate classification (germline): Uncertain significance (1 of 4 stars; one submission).

Conditions:
Neonatal-onset encephalopathy with rigidity and seizures. Also called: Lethal neonatal spasticity-epileptic encephalopathy syndrome. Identifiers: Orphanet 435845, MedGen C3281029, MONDO:0013784, OMIM 614498.

Submission:

Labcorp Genetics (formerly Invitae), Labcorp
Classification: Uncertain significance for Neonatal-onset encephalopathy with rigidity and seizures. Last evaluated: 2018-10-31. Review status: criteria provided, single submitter. Criteria: Invitae Variant Classification Sherloc (09022015). Collection method: clinical testing. Allele origin: germline.
Comment: In summary, the available evidence is currently insufficient to determine the role of this variant in disease. Therefore, it has been classified as a Variant of Uncertain Significance. Algorithms developed to predict the effect of missense changes on protein structure and function (SIFT, PolyPhen-2, Align-GVGD) all suggest that this variant is likely to be tolerated, but these predictions have not been confirmed by published functional studies and their clinical significance is uncertain. This variant has not been reported in the literature in individuals with BRAT1-related disease. This variant is not present in population databases (ExAC no frequency). This sequence change replaces glycine with arginine at codon 189 of the BRAT1 protein (p.Gly189Arg). The glycine residue is moderately conserved and there is a moderate physicochemical difference between glycine and arginine.